The following is an entry in ClinVar:

NM_004341.5(CAD):c.5213G>A (p.Arg1738His)

Gene: CAD (carbamoyl-phosphate synthetase 2, aspartate transcarbamylase, and dihydroorotase; plus strand). Cytogenetic location: 2p23.3.
Variant type: single nucleotide variant.
Coding change: c.5213G>A on transcript NM_004341.5 (MANE Select); coding-DNA position 5213, G replaced by A.
Protein change: p.Arg1738His; replaces arginine 1738 with histidine.
Molecular consequence: missense variant.
Genome position (GRCh38, 1-based): chr2:27,239,192, G>A. VCF-style: chr2-27239192-G-A. GRCh37 (hg19) VCF-style: chr2-27462060-G-A.
Other names: c.5024G>A, p.Arg1675His (NM_001306079.2); short protein forms R1738H, R1675H.
Identifiers: ClinVar variation 1506370 (VCV001506370.4), dbSNP rs1445395533, ClinGen allele CA346222347.

ClinVar aggregate classification (germline): Uncertain significance (1 of 4 stars; one submission).

Allele frequency attached by ClinVar (database versions not stated): TOPMed 0.00002; gnomAD exomes below 0.00001 and 0.00001; gnomAD 0.00001.
gnomAD v4.1: 20 of 1,609,922 alleles (0.0012%); highest among the groups gnomAD compares: African/African-American, 0.0027%; no homozygotes.

Submission:

Labcorp Genetics (formerly Invitae), Labcorp
Classification: Uncertain significance. Last evaluated: 2023-12-11. Review status: criteria provided, single submitter. Criteria: Invitae Variant Classification Sherloc (09022015). Collection method: clinical testing. Allele origin: germline.
Comment: This sequence change replaces arginine, which is basic and polar, with histidine, which is basic and polar, at codon 1738 of the CAD protein (p.Arg1738His). The frequency data for this variant in the population databases is considered unreliable, as metrics indicate poor data quality at this position in the gnomAD database. This variant has not been reported in the literature in individuals affected with CAD-related conditions. ClinVar contains an entry for this variant (Variation ID: 1506370). An algorithm developed to predict the effect of missense changes on protein structure and function (PolyPhen-2) suggests that this variant is likely to be disruptive. In summary, the available evidence is currently insufficient to determine the role of this variant in disease. Therefore, it has been classified as a Variant of Uncertain Significance.